The following is an entry in ClinVar:

NM_001365308.1(BMPER):c.864G>A (p.Glu288=)

Gene: BMPER (BMP binding endothelial regulator; plus strand). Cytogenetic location: 7p14.3.
Variant type: single nucleotide variant.
Coding change: c.864G>A on transcript NM_001365308.1 (MANE Select); coding-DNA position 864, G replaced by A.
Protein change: p.Glu288=; no amino-acid change (glutamic acid 288 retained).
Molecular consequence: synonymous variant.
Genome position (GRCh38, 1-based): chr7:34,055,240, G>A. VCF-style: chr7-34055240-G-A. GRCh37 (hg19) VCF-style: chr7-34094852-G-A.
Other names: c.864G>A, p.Glu288= (NM_001410872.1, NM_133468.5).
Identifiers: ClinVar variation 3046943 (VCV003046943.2), dbSNP rs1475153405, ClinGen allele CA454470176.

ClinVar aggregate classification (germline): Likely benign (0 of 4 stars; one submission).

Conditions:
BMPER-related disorder. Also called: BMPER-related condition.

Allele frequency attached by ClinVar (database versions not stated): gnomAD 0.00001.
gnomAD v4.1: 2 of 1,614,028 alleles (0.00012%); highest among the groups gnomAD compares: Admixed American, 0.0017%; no homozygotes.

Submission:

PreventionGenetics, part of Exact Sciences
Classification: Likely benign for BMPER-related condition. Last evaluated: 2019-04-09. Review status: no assertion criteria provided. Collection method: clinical testing. Allele origin: germline.
Comment: This variant is classified as likely benign based on ACMG/AMP sequence variant interpretation guidelines (Richards et al. 2015 PMID: 25741868, with internal and published modifications).